The following is an entry in ClinVar:

NM_016038.4(SBDS):c.469G>A (p.Val157Met)

Gene: SBDS (SBDS ribosome maturation factor; minus strand). Cytogenetic location: 7q11.21.
Variant type: single nucleotide variant.
Coding change: c.469G>A on transcript NM_016038.4 (MANE Select); coding-DNA position 469, G replaced by A.
Protein change: p.Val157Met; replaces valine 157 with methionine.
Molecular consequence: missense variant.
Genome position (GRCh38, 1-based): chr7:66,991,292, C>T on the plus strand (G>A on the coding strand, the complement: SBDS is on the minus strand). VCF-style: chr7-66991292-C-T. GRCh37 (hg19) VCF-style: chr7-66456279-C-T.
Other names: short protein forms V157M.
Identifiers: ClinVar variation 4864052 (VCV004864052.1).

ClinVar aggregate classification (germline): Uncertain significance (1 of 4 stars; one submission).

Conditions:
Inborn genetic diseases. Identifiers: MedGen C0950123, MeSH D030342.

Submission:

Ambry Genetics
Classification: Uncertain significance for Inborn genetic diseases. Last evaluated: 2026-04-12. Review status: criteria provided, single submitter. Criteria: Ambry Variant Classification Scheme 2023. Collection method: clinical testing. Allele origin: germline.
Comment: The p.V157M variant (also known as c.469G>A), located in coding exon 4 of the SBDS gene, results from a G to A substitution at nucleotide position 469. The valine at codon 157 is replaced by methionine, an amino acid with highly similar properties. This amino acid position is conserved. In addition, this alteration is predicted to be deleterious by in silico analysis. Based on the available evidence, the clinical significance of this variant remains unclear.